The following is an entry in ClinVar:

ClinVar aggregate classification (germline): Uncertain significance (1 of 4 stars; one submission).

Conditions:
Inborn genetic diseases. Identifiers: MedGen C0950123, MeSH D030342.

gnomAD v4.1: 1 of 1,613,564 alleles (0.000062%); highest among the groups gnomAD compares: South Asian, 0.0011%; no homozygotes.

Submission:

Ambry Genetics
Classification: Uncertain significance for Inborn genetic diseases. Last evaluated: 2026-05-28. Review status: criteria provided, single submitter. Criteria: Ambry Variant Classification Scheme 2023. Collection method: clinical testing. Allele origin: germline.
Comment: The p.G1098E variant (also known as c.3293G>A), located in coding exon 15 of the MECOM gene, results from a G to A substitution at nucleotide position 3293. The glycine at codon 1098 is replaced by glutamic acid, an amino acid with similar properties. This amino acid position is conserved. In addition, this alteration is predicted to be tolerated by in silico analysis. Based on the available evidence, the clinical significance of this variant remains unclear.

NM_004991.4(MECOM):c.3293G>A (p.Gly1098Glu)

Gene: MECOM (MDS1 and EVI1 complex locus; minus strand). Cytogenetic location: 3q26.2.
Variant type: single nucleotide variant.
Coding change: c.3293G>A on transcript NM_004991.4 (MANE Select); coding-DNA position 3293, G replaced by A.
Protein change: p.Gly1098Glu; replaces glycine 1098 with glutamic acid.
Molecular consequence: missense variant.
Genome position (GRCh38, 1-based): chr3:169,090,108, C>T on the plus strand (G>A on the coding strand, the complement: MECOM is on the minus strand). VCF-style: chr3-169090108-C-T. GRCh37 (hg19) VCF-style: chr3-168807896-C-T.
Other names: c.2924G>A, p.Gly975Glu (NM_001105077.4); c.2729G>A, p.Gly910Glu (NM_001105078.4, NM_001205194.2, NM_001366469.2 and 1 more transcripts); c.2705G>A, p.Gly902Glu (NM_001163999.2, NM_001366470.2); c.2702G>A, p.Gly901Glu (NM_001164000.2, NM_001366471.2, NM_001366472.2); c.3266G>A, p.Gly1089Glu (NM_001366466.2); c.2732G>A, p.Gly911Glu (NM_001366467.2, NM_001366468.2); c.2294G>A, p.Gly765Glu (NM_001366473.2); c.1730G>A, p.Gly577Glu (NM_001366474.2); short protein forms G1089E, G1098E, G577E, G765E, G901E, G902E, G910E, G911E.
Identifiers: ClinVar variation 4859804 (VCV004859804.1).